The following is an entry in ClinVar:

ClinVar aggregate classification (germline): Uncertain significance. Review status: criteria provided, multiple submitters, no conflicts (2 of 4 stars). 3 submissions from 3 submitters: Uncertain significance (3). Last evaluated 2024-10-04.

Conditions:
Inborn genetic diseases. Identifiers: MedGen C0950123, MeSH D030342.
Odonto-onycho-dermal dysplasia. Identifiers: Orphanet 2721, MedGen C0796093, MONDO:0009773, OMIM 257980.
Tooth agenesis, selective, 4 (STHAG4). Also called: LATERAL INCISORS, ABSENCE OF; LATERAL INCISORS, PEGGED OR MISSING; SUCCEDANEOUS TEETH, AGENESIS OF; TOOTH AGENESIS, SELECTIVE, 4, WITH OR WITHOUT ECTODERMAL DYSPLASIA. Identifiers: Orphanet 99798, MedGen C1835492, MONDO:0007881, OMIM 150400. Disease mechanism: loss of function.

Allele frequency attached by ClinVar (database versions not stated): gnomAD exomes 0.00002; ExAC 0.00003; gnomAD 0.00012; 1000 Genomes Project 0.00020; TOPMed 0.00025; 1000 Genomes Project 30x 0.00031.

Submissions (3):

Labcorp Genetics (formerly Invitae), Labcorp
Classification: Uncertain significance for Tooth agenesis, selective, 4; Odonto-onycho-dermal dysplasia. Last evaluated: 2024-10-04. Review status: criteria provided, single submitter. Criteria: Invitae Variant Classification Sherloc (09022015). Collection method: clinical testing. Allele origin: germline.
Comment: This sequence change replaces arginine, which is basic and polar, with glutamine, which is neutral and polar, at codon 260 of the WNT10A protein (p.Arg260Gln). The frequency data for this variant in the population databases is considered unreliable, as metrics indicate poor data quality at this position in the gnomAD database. This variant has not been reported in the literature in individuals affected with WNT10A-related conditions. ClinVar contains an entry for this variant (Variation ID: 2370462). Invitae Evidence Modeling of protein sequence and biophysical properties (such as structural, functional, and spatial information, amino acid conservation, physicochemical variation, residue mobility, and thermodynamic stability) indicates that this missense variant is not expected to disrupt WNT10A protein function with a negative predictive value of 80%. In summary, the available evidence is currently insufficient to determine the role of this variant in disease. Therefore, it has been classified as a Variant of Uncertain Significance.

GeneDx
Classification: Uncertain significance. Last evaluated: 2024-05-28. Review status: criteria provided, single submitter. Criteria: GeneDx Variant Classification Process June 2021. Collection method: clinical testing. Allele origin: germline. Affected: yes.
Comment: In silico analysis indicates that this missense variant does not alter protein structure/function; Has not been previously published as pathogenic or benign to our knowledge

Ambry Genetics
Classification: Uncertain significance for Inborn genetic diseases. Last evaluated: 2021-08-17. Review status: criteria provided, single submitter. Criteria: Ambry Variant Classification Scheme 2023. Collection method: clinical testing. Allele origin: germline.

NM_025216.3(WNT10A):c.779G>A (p.Arg260Gln)

Gene: WNT10A (Wnt family member 10A; plus strand). Cytogenetic location: 2q35.
Variant type: single nucleotide variant.
Coding change: c.779G>A on transcript NM_025216.3 (MANE Select); coding-DNA position 779, G replaced by A.
Protein change: p.Arg260Gln; replaces arginine 260 with glutamine.
Molecular consequence: missense variant.
Genome position (GRCh38, 1-based): chr2:218,892,796, G>A. VCF-style: chr2-218892796-G-A. GRCh37 (hg19) VCF-style: chr2-219757518-G-A.
Other names: short protein forms R260Q.
Identifiers: ClinVar variation 2370462 (VCV002370462.5), dbSNP rs541050654, ClinGen allele CA2114042.